The following is an entry in ClinVar:

ClinVar aggregate classification (germline): Uncertain significance (1 of 4 stars; one submission).

Allele frequency attached by ClinVar (database versions not stated): gnomAD exomes below 0.00001; TOPMed below 0.00001.
gnomAD v4.1: 4 of 1,205,009 alleles (0.00033%); highest among the groups gnomAD compares: Non-Finnish European, 0.00045%; no homozygotes.

Submission:

Labcorp Genetics (formerly Invitae), Labcorp
Classification: Uncertain significance. Last evaluated: 2024-09-16. Review status: criteria provided, single submitter. Criteria: Invitae Variant Classification Sherloc (09022015). Collection method: clinical testing. Allele origin: germline.
Comment: This sequence change replaces glycine, which is neutral and non-polar, with serine, which is neutral and polar, at codon 477 of the NYX protein (p.Gly477Ser). This variant is not present in population databases (gnomAD no frequency). This variant has not been reported in the literature in individuals affected with NYX-related conditions. ClinVar contains an entry for this variant (Variation ID: 959055). An algorithm developed to predict the effect of missense changes on protein structure and function outputs the following: PolyPhen-2: "Benign". The serine amino acid residue is found in multiple mammalian species, which suggests that this missense change does not adversely affect protein function. In summary, the available evidence is currently insufficient to determine the role of this variant in disease. Therefore, it has been classified as a Variant of Uncertain Significance.

NM_001378477.3(NYX):c.1414G>A (p.Gly472Ser)

Gene: NYX (nyctalopin; plus strand). Cytogenetic location: Xp11.4.
Variant type: single nucleotide variant.
Coding change: c.1414G>A on transcript NM_001378477.3 (MANE Select); coding-DNA position 1414, G replaced by A.
Protein change: p.Gly472Ser; replaces glycine 472 with serine.
Molecular consequence: missense variant.
Genome position (GRCh38, 1-based): chrX:41,474,882, G>A. VCF-style: chrX-41474882-G-A. GRCh37 (hg19) VCF-style: chrX-41334135-G-A.
Other names: c.1414G>A, p.Gly472Ser (NM_022567.3); short protein forms G477S, G472S.
Identifiers: ClinVar variation 959055 (VCV000959055.9), dbSNP rs2064384676, ClinGen allele CA412993889.